The following is an entry in ClinVar:

NM_000718.4(CACNA1B):c.2266G>A (p.Ala756Thr)

Genes: CACNA1B (calcium voltage-gated channel subunit alpha1 B; plus strand), LOC108254695 (9q34.3 CACNA1B recombination region; plus strand). Cytogenetic location: 9q34.3.
Variant type: single nucleotide variant.
Coding change: c.2266G>A on transcript NM_000718.4 (MANE Select); coding-DNA position 2266, G replaced by A.
Protein change: p.Ala756Thr; replaces alanine 756 with threonine.
Molecular consequence: missense variant.
Genome position (GRCh38, 1-based): chr9:138,013,234, G>A. VCF-style: chr9-138013234-G-A. GRCh37 (hg19) VCF-style: chr9-140907686-G-A.
Other names: c.2266G>A, p.Ala756Thr (NM_001243812.2); c.2266G>A (NM_000718.3); short protein forms A756T.
Identifiers: ClinVar variation 2066097 (VCV002066097.4), dbSNP rs200762767, ClinGen allele CA5376424.
Genomic context (GRCh38, chr9:138,013,234, plus strand): 5'-CAAAAGGCCAAAGAAGTGGCTGAAGTCAGCCCCATGTCTGCCGCGAACATCTCCATCGCC[G>A]CGTAAGGCTCCTAGGAGTGGATTGTGGGGTGGCAGTGGGGCTGCTGCAGGGTCCCATGGC-3'
Protein context (NP_000709.1, residues 746-766): PMSAANISIA[Ala756Thr]RQQNSAKARS

ClinVar aggregate classification (germline): Uncertain significance. Review status: criteria provided, multiple submitters, no conflicts (2 of 4 stars). 4 submissions from 4 submitters: Uncertain significance (3). 1 of the submissions does not count toward it. Last evaluated 2024-11-27.

Conditions:
CACNA1B-related disorder. Also called: CACNA1B-related condition.

Allele frequency attached by ClinVar (database versions not stated): gnomAD 0.00002; TOPMed 0.00005; gnomAD exomes 0.00006; ESP Exome Variant Server 0.00008; ExAC 0.00010; 1000 Genomes Project 30x 0.00016.
gnomAD v4.1: 89 of 1,587,032 alleles (0.0056%); highest among the groups gnomAD compares: Non-Finnish European, 0.0068%; no homozygotes.

Submissions (4):

Ambry Genetics
Classification: Uncertain significance. Last evaluated: 2024-11-27. Review status: criteria provided, single submitter. Criteria: Ambry Variant Classification Scheme 2023. Collection method: clinical testing. Allele origin: germline.

Blueprint Genetics
Classification: Uncertain significance. Last evaluated: 2024-09-02. Review status: criteria provided, single submitter. Criteria: ACMG Guidelines, 2015. Collection method: clinical testing. Allele origin: germline.

Labcorp Genetics (formerly Invitae), Labcorp
Classification: Uncertain significance. Last evaluated: 2022-07-15. Review status: criteria provided, single submitter. Criteria: Invitae Variant Classification Sherloc (09022015). Collection method: clinical testing. Allele origin: germline.
Comment: This sequence change replaces alanine, which is neutral and non-polar, with threonine, which is neutral and polar, at codon 756 of the CACNA1B protein (p.Ala756Thr). This variant is present in population databases (rs200762767, gnomAD 0.02%). This variant has not been reported in the literature in individuals affected with CACNA1B-related conditions. Algorithms developed to predict the effect of missense changes on protein structure and function output the following: SIFT: "Deleterious"; PolyPhen-2: "Benign"; Align-GVGD: "Class C0". The threonine amino acid residue is found in multiple mammalian species, which suggests that this missense change does not adversely affect protein function. In summary, the available evidence is currently insufficient to determine the role of this variant in disease. Therefore, it has been classified as a Variant of Uncertain Significance.

PreventionGenetics, part of Exact Sciences
Classification: Uncertain significance for CACNA1B-related condition. Last evaluated: 2024-06-04. Review status: no assertion criteria provided. Collection method: clinical testing. Allele origin: germline. Not counted in ClinVar's aggregate classification.
Comment: The CACNA1B c.2266G>A variant is predicted to result in the amino acid substitution p.Ala756Thr. To our knowledge, this variant has not been reported in the literature. This variant is reported in 0.015% of alleles in individuals of European (Non-Finnish) descent in gnomAD. At this time, the clinical significance of this variant is uncertain due to the absence of conclusive functional and genetic evidence.